The following is an entry in ClinVar:

NM_007078.3(LDB3):c.481C>T (p.Pro161Ser)

Gene: LDB3 (LIM domain binding 3; plus strand). Cytogenetic location: 10q23.2.
Variant type: single nucleotide variant.
Coding change: c.481C>T on transcript NM_007078.3 (MANE Select); coding-DNA position 481, C replaced by T.
Protein change: p.Pro161Ser; replaces proline 161 with serine.
Molecular consequence: missense variant. On other transcripts: intron variant (5).
Genome position (GRCh38, 1-based): chr10:86,681,595, C>T. VCF-style: chr10-86681595-C-T. GRCh37 (hg19) VCF-style: chr10-88441352-C-T.
Other names: c.481C>T, p.Pro161Ser (NM_001080115.2, NM_001171610.2, NM_001171611.2 and 3 more transcripts); c.321+1438C>T (NM_001368068.1, NM_001368066.1, NM_001080114.2 and 2 more transcripts); short protein forms P161S.
Identifiers: ClinVar variation 4777972 (VCV004777972.1).

ClinVar aggregate classification (germline): Uncertain significance (1 of 4 stars; one submission).

Conditions:
Myofibrillar myopathy 4. Also called: Zaspopathy (type). Identifiers: Orphanet 98912, MedGen C4721886, MONDO:0012277, OMIM 609452.

Submission:

Labcorp Genetics (formerly Invitae), Labcorp
Classification: Uncertain significance for Myofibrillar myopathy 4. Last evaluated: 2025-07-27. Review status: criteria provided, single submitter. Criteria: Invitae Variant Classification Sherloc (09022015). Collection method: clinical testing. Allele origin: germline.
Comment: The LDB3 gene has multiple clinically relevant transcripts. This variant occurs in alternate transcript NM_007078.3, and corresponds to NM_001080116.1:c.321+1438C>T in the primary transcript. This sequence change replaces proline, which is neutral and non-polar, with serine, which is neutral and polar, at codon 161 of the LDB3 protein (p.Pro161Ser). This variant is not present in population databases (gnomAD no frequency). This variant has not been reported in the literature in individuals affected with LDB3-related conditions. Experimental studies and prediction algorithms are not available or were not evaluated, and the functional significance of this variant is currently unknown. In summary, the available evidence is currently insufficient to determine the role of this variant in disease. Therefore, it has been classified as a Variant of Uncertain Significance.